The following is an entry in ClinVar:

NM_004408.4(DNM1):c.1200G>A (p.Thr400=)

Gene: DNM1 (dynamin 1; plus strand). Cytogenetic location: 9q34.11.
Variant type: single nucleotide variant.
Coding change: c.1200G>A on transcript NM_004408.4 (MANE Select); coding-DNA position 1200, G replaced by A.
Protein change: p.Thr400=; no amino-acid change (threonine 400 retained).
Molecular consequence: synonymous variant. On other transcripts: intron variant (3).
Genome position (GRCh38, 1-based): chr9:128,224,254, G>A. VCF-style: chr9-128224254-G-A. GRCh37 (hg19) VCF-style: chr9-130986533-G-A.
Other names: c.1200G>A, p.Thr400= (NM_001005336.3); c.1196+1394G>A (NM_001288738.2, NM_001288737.2, NM_001288739.2).
Identifiers: ClinVar variation 385288 (VCV000385288.21), dbSNP rs373198034, ClinGen allele CA5258030.

ClinVar aggregate classification (germline): Benign/Likely benign. Review status: criteria provided, multiple submitters, no conflicts (2 of 4 stars). 6 submissions from 6 submitters: Benign (1); Likely benign (4). 1 of the submissions does not count toward it. Last evaluated 2025-10-11.

Conditions:
Inborn genetic diseases. Identifiers: MedGen C0950123, MeSH D030342.
DNM1-related disorder. Also called: DNM1-related condition.
Developmental and epileptic encephalopathy, 31A. Also called: Epileptic encephalopathy, early infantile, 31; Developmental and epileptic encephalopathy, 31. Identifiers: Orphanet 2382, MedGen C4225357, MONDO:0014598, OMIM 616346.

Allele frequency attached by ClinVar (database versions not stated): ESP Exome Variant Server 0.00008; gnomAD 0.00009; ExAC 0.00011; TOPMed 0.00011; gnomAD exomes 0.00014; 1000 Genomes Project 30x 0.00016.
gnomAD v4.1: 120 of 1,613,700 alleles (0.0074%); highest among the groups gnomAD compares: East Asian, 0.071%; no homozygotes.

Submissions (6):

Labcorp Genetics (formerly Invitae), Labcorp
Classification: Likely benign for Developmental and epileptic encephalopathy, 31A. Last evaluated: 2025-10-11. Review status: criteria provided, single submitter. Criteria: Invitae Variant Classification Sherloc (09022015). Collection method: clinical testing. Allele origin: germline.

Blueprint Genetics
Classification: Likely benign. Last evaluated: 2024-10-10. Review status: criteria provided, single submitter. Criteria: ACMG Guidelines, 2015. Collection method: clinical testing. Allele origin: germline.

GeneDx
Classification: Benign. Last evaluated: 2019-03-20. Review status: criteria provided, single submitter. Criteria: GeneDx Variant Classification Process June 2021. Collection method: clinical testing. Allele origin: germline. Affected: yes.

Ambry Genetics
Classification: Likely benign for Inborn genetic diseases. Last evaluated: 2017-01-12. Review status: criteria provided, single submitter. Criteria: Ambry Variant Classification Scheme 2023. Collection method: clinical testing. Allele origin: germline.

Breakthrough Genomics
Classification: Likely benign. Review status: criteria provided, single submitter. Criteria: ACMG Guidelines, 2015. Collection method: not provided. Allele origin: germline. Inheritance: Autosomal dominant inheritance. Affected: yes.

PreventionGenetics, part of Exact Sciences
Classification: Likely benign for DNM1-related condition. Last evaluated: 2019-05-06. Review status: no assertion criteria provided. Collection method: clinical testing. Allele origin: germline. Not counted in ClinVar's aggregate classification.
Comment: This variant is classified as likely benign based on ACMG/AMP sequence variant interpretation guidelines (Richards et al. 2015 PMID: 25741868, with internal and published modifications).